The following is an entry in ClinVar:

NM_001256789.3(CACNA1F):c.40C>T (p.Pro14Ser)

Gene: CACNA1F (calcium voltage-gated channel subunit alpha1 F; minus strand). Cytogenetic location: Xp11.23.
Variant type: single nucleotide variant.
Coding change: c.40C>T on transcript NM_001256789.3 (MANE Select); coding-DNA position 40, C replaced by T.
Protein change: p.Pro14Ser; replaces proline 14 with serine.
Molecular consequence: missense variant. On other transcripts: intron variant (1).
Genome position (GRCh38, 1-based): chrX:49,231,913, G>A on the plus strand (C>T on the coding strand, the complement: CACNA1F is on the minus strand). VCF-style: chrX-49231913-G-A. GRCh37 (hg19) VCF-style: chrX-49088375-G-A.
Other names: c.40C>T, p.Pro14Ser (NM_005183.4); c.66-221C>T (NM_001256790.3); short protein forms P14S.
Identifiers: ClinVar variation 1920167 (VCV001920167.5), dbSNP rs201861911, ClinGen allele CA412928734.
Genomic context (GRCh38, chrX:49,231,913, plus strand): 5'-CTGGGGGCCCGGGGCACAGCCCCCATTCGGGACCAGGGCCTGCCCCATTGGCTGGACTGG[G>A]CTCTGGGGTGGTGTCTATATGGAGAAACTGTGTCAGGGAGGGACAGGGTATTGGGGCAAT-3'
Protein context (NP_001243718.1, residues 4-24): SEGGKDTTPE[Pro14Ser]SPANGAGPGP

ClinVar aggregate classification (germline): Uncertain significance (1 of 4 stars; one submission).

Submission:

Labcorp Genetics (formerly Invitae), Labcorp
Classification: Uncertain significance. Last evaluated: 2024-03-01. Review status: criteria provided, single submitter. Criteria: Invitae Variant Classification Sherloc (09022015). Collection method: clinical testing. Allele origin: germline.
Comment: This sequence change replaces proline, which is neutral and non-polar, with serine, which is neutral and polar, at codon 14 of the CACNA1F protein (p.Pro14Ser). The frequency data for this variant in the population databases is considered unreliable, as metrics indicate poor data quality at this position in the gnomAD database. This variant has not been reported in the literature in individuals affected with CACNA1F-related conditions. ClinVar contains an entry for this variant (Variation ID: 1920167). Algorithms developed to predict the effect of missense changes on protein structure and function output the following: SIFT: "Not Available"; PolyPhen-2: "Benign"; Align-GVGD: "Not Available". The serine amino acid residue is found in multiple mammalian species, which suggests that this missense change does not adversely affect protein function. In summary, the available evidence is currently insufficient to determine the role of this variant in disease. Therefore, it has been classified as a Variant of Uncertain Significance.